The following is an entry in ClinVar:

NM_000038.6(APC):c.1626+1G>A

Gene: APC (APC regulator of Wnt signaling pathway; plus strand). Cytogenetic location: 5q22.2.
Variant type: single nucleotide variant.
Coding change: c.1626+1G>A on transcript NM_000038.6 (MANE Select); the canonical splice donor site of the intron after coding-DNA position 1626, G replaced by A.
Molecular consequence: splice donor variant.
Genome position (GRCh38, 1-based): chr5:112,828,007, G>A. VCF-style: chr5-112828007-G-A. GRCh37 (hg19) VCF-style: chr5-112163704-G-A.
Other names: c.777+1G>A (NM_001407470.1, NM_001354906.2); c.474+1G>A (NM_001407472.1, NM_001407471.1); c.1680+1G>A (NM_001407447.1, NM_001407448.1, NM_001407449.1 and 1 more transcripts); c.1626+1G>A (NM_001354895.2, NM_001407450.1, NM_001127510.3); c.1377+1G>A (NM_001407456.1, NM_001407457.1, NM_001407455.1 and 1 more transcripts); c.1323+1G>A (NM_001407460.1, NM_001407458.1, NM_001407459.1 and 1 more transcripts); c.1596+1G>A (NM_001407452.1); c.1239+1G>A (NM_001407469.1, NM_001407467.1); and 11 more.
Identifiers: ClinVar variation 492656 (VCV000492656.18), dbSNP rs1554081934, ClinGen allele CA360620035.

ClinVar aggregate classification (germline): Pathogenic/Likely pathogenic. Review status: criteria provided, multiple submitters, no conflicts (2 of 4 stars). 5 submissions from 5 submitters: Pathogenic (2); Likely pathogenic (2). 1 of the submissions does not count toward it. Last evaluated 2025-12-24.

Conditions:
Hereditary cancer-predisposing syndrome. Also called: Hereditary neoplastic syndrome; Tumor predisposition; Hereditary Cancer Syndrome; Neoplastic Syndromes, Hereditary. Identifiers: Orphanet 140162, MedGen C0027672, MeSH D009386, MONDO:0015356.
Familial adenomatous polyposis 1 (FAP1). Also called: FAMILIAL ADENOMATOUS POLYPOSIS 1, ATTENUATED; POLYPOSIS, ADENOMATOUS INTESTINAL. Identifiers: MedGen C2713442, MONDO:0021056, OMIM 175100. Disease mechanism: loss of function.

Submissions (5):

Labcorp Genetics (formerly Invitae), Labcorp
Classification: Likely pathogenic for Familial adenomatous polyposis 1. Last evaluated: 2025-12-24. Review status: criteria provided, single submitter. Criteria: Invitae Variant Classification Sherloc (09022015). Collection method: clinical testing. Allele origin: germline.
Comment: This sequence change affects a donor splice site in intron 13 of the APC gene. It is expected to disrupt RNA splicing. Variants that disrupt the donor or acceptor splice site typically lead to a loss of protein function (PMID: 16199547), and loss-of-function variants in APC are known to be pathogenic (PMID: 17963004, 20685668). This variant is not present in population databases (gnomAD no frequency). Disruption of this splice site has been observed in individual(s) with APC-related conditions (PMID: 10612827). ClinVar contains an entry for this variant (Variation ID: 492656). Algorithms developed to predict the effect of sequence changes on RNA splicing suggest that this variant may disrupt the consensus splice site. In summary, the currently available evidence indicates that the variant is pathogenic, but additional data are needed to prove that conclusively. Therefore, this variant has been classified as Likely Pathogenic.

Ambry Genetics
Classification: Pathogenic for Hereditary cancer-predisposing syndrome. Last evaluated: 2025-01-14. Review status: criteria provided, single submitter. Criteria: Ambry Variant Classification Scheme 2023. Collection method: clinical testing. Allele origin: germline.
Comment: The c.1626+1G>A intronic pathogenic mutation results from a G to A substitution one nucleotide after coding exon 12 of the APC gene. This alteration has been observed in individuals with a personal and/or family history that is consistent with APC-related disease (Ambry internal data). RNA studies have demonstrated that this alteration results in abnormal splicing in the set of samples tested (Ambry internal data). This nucleotide position is highly conserved in available vertebrate species. In silico splice site analysis predicts that this alteration will weaken the native splice donor site. This variant is considered to be rare based on population cohorts in the Genome Aggregation Database (gnomAD). Alterations that disrupt the canonical splice site are expected to cause aberrant splicing, resulting in an abnormal protein or a transcript that is subject to nonsense-mediated mRNA decay. As such, this alteration is classified as a disease-causing mutation.

Myriad Genetics, Inc.
Classification: Likely pathogenic for Familial adenomatous polyposis 1. Last evaluated: 2023-05-02. Review status: criteria provided, single submitter. Criteria: Myriad Autosomal Dominant, Autosomal Recessive and X-Linked Classification Criteria (2023). Collection method: clinical testing. Allele origin: unknown.
Comment: This variant is considered likely pathogenic. This variant occurs within a consensus splice junction and is predicted to result in abnormal mRNA splicing of either an out-of-frame exon or an in-frame exon necessary for protein stability and/or normal function.

Quest Diagnostics Nichols Institute San Juan Capistrano
Classification: Pathogenic. Last evaluated: 2017-10-18. Review status: criteria provided, single submitter. Criteria: Quest Diagnostics criteria. Collection method: clinical testing. Allele origin: germline.

Mayo Clinic Laboratories, Mayo Clinic
Classification: Likely pathogenic. Review status: no assertion criteria provided. Collection method: clinical testing. Allele origin: unknown. Not counted in ClinVar's aggregate classification.

Literature cited by the submitters: PubMed 16199547 (cited by Labcorp Genetics (formerly Invitae), Labcorp); PubMed 17963004 (cited by Labcorp Genetics (formerly Invitae), Labcorp); PubMed 20685668 (cited by Labcorp Genetics (formerly Invitae), Labcorp); PubMed 10612827 (cited by Labcorp Genetics (formerly Invitae), Labcorp).